The following is an entry in ClinVar:

ClinVar aggregate classification (germline): Uncertain significance. Review status: criteria provided, single submitter (1 of 4 stars). 2 submissions from 2 submitters: Uncertain significance (1). 1 of the submissions does not count toward it. Last evaluated 2025-04-17.

Conditions:
ANKZF1-related disorder. Also called: ANKZF1-related condition.

Allele frequency attached by ClinVar (database versions not stated): gnomAD 0.00001; TOPMed 0.00003.

Submissions (2):

Labcorp Genetics (formerly Invitae), Labcorp
Classification: Uncertain significance. Last evaluated: 2025-04-17. Review status: criteria provided, single submitter. Criteria: Invitae Variant Classification Sherloc (09022015). Collection method: clinical testing. Allele origin: germline.
Comment: This sequence change creates a premature translational stop signal (p.Gln636Argfs*63) in the ANKZF1 gene. While this is not anticipated to result in nonsense mediated decay, it is expected to disrupt the last 91 amino acid(s) of the ANKZF1 protein. This variant is not present in population databases (gnomAD no frequency). This variant has not been reported in the literature in individuals affected with ANKZF1-related conditions. ClinVar contains an entry for this variant (Variation ID: 1450595). Experimental studies and prediction algorithms are not available or were not evaluated, and the functional significance of this variant is currently unknown. In summary, the available evidence is currently insufficient to determine the role of this variant in disease. Therefore, it has been classified as a Variant of Uncertain Significance.

PreventionGenetics, part of Exact Sciences
Classification: Uncertain significance for ANKZF1-related condition. Last evaluated: 2024-01-23. Review status: no assertion criteria provided. Collection method: clinical testing. Allele origin: germline. Not counted in ClinVar's aggregate classification.
Comment: The ANKZF1 c.1906delC variant is predicted to result in a frameshift and premature protein termination (p.Gln636Argfs*63). To our knowledge, this variant has not been reported in the literature or in a large population database, indicating this variant is rare. Loss of function variants in ANKZF1 are not an established mechanism of disease. At this time, the clinical significance of this variant is uncertain due to the absence of conclusive functional and genetic evidence.

NM_018089.3(ANKZF1):c.1906del (p.Gln636fs)

Gene: ANKZF1 (ankyrin repeat and zinc finger peptidyl tRNA hydrolase 1; plus strand). Cytogenetic location: 2q35.
Variant type: Deletion.
Coding change: c.1906del on transcript NM_018089.3 (MANE Select); coding-DNA position 1906, one base deleted (C; older notation c.1906delC).
Protein change: p.Gln636fs; shifts the reading frame from glutamine 636.
Molecular consequence: frameshift variant.
Genome position (GRCh38, 1-based): chr2:219,235,810, C deleted. VCF-style (leftmost placement, unchanged base first): chr2-219235809-GC-G. GRCh37 (hg19) VCF-style: chr2-220100531-GC-G.
Other names: c.1906delC (NM_018089.2); c.1906del, p.Gln636fs (NM_001042410.2); c.1276del, p.Gln426fs (NM_001282792.2); short protein forms Q426fs, Q636fs.
Identifiers: ClinVar variation 1450595 (VCV001450595.8), dbSNP rs1286163408, ClinGen allele CA764940626.